The following is an entry in ClinVar:

NM_001162501.2(TNRC6B):c.1431C>T (p.Asn477=)

Gene: TNRC6B (trinucleotide repeat containing adaptor 6B; plus strand). Cytogenetic location: 22q13.1.
Variant type: single nucleotide variant.
Coding change: c.1431C>T on transcript NM_001162501.2 (MANE Select); coding-DNA position 1431, C replaced by T.
Protein change: p.Asn477=; no amino-acid change (asparagine 477 retained).
Molecular consequence: synonymous variant. On other transcripts: intron variant (1).
Genome position (GRCh38, 1-based): chr22:40,265,661, C>T. VCF-style: chr22-40265661-C-T. GRCh37 (hg19) VCF-style: chr22-40661665-C-T.
Other names: c.1431C>T, p.Asn477= (NM_015088.3); c.565+3488C>T (NM_001024843.2).
Identifiers: ClinVar variation 3034848 (VCV003034848.2), dbSNP rs373211790, ClinGen allele CA10246695.
Genomic context (GRCh38, chr22:40,265,661, plus strand): 5'-GAAAGGAGCTTCTGTTCAGAAATCAACTGGGTCAAAAAATGACTCTTGGGACAACAATAA[C>T]AGGTCTACGGGTGGGTCCTGGAACTTTGGCCCCCAGGACTCTAATGACAACAAATGGGGT-3'
Protein context (NP_001155973.1, residues 467-487): GSKNDSWDNN[Asn477=]RSTGGSWNFG

ClinVar aggregate classification (germline): Likely benign (0 of 4 stars; one submission).

Conditions:
TNRC6B-related disorder. Also called: TNRC6B-related condition.

Allele frequency attached by ClinVar (database versions not stated): gnomAD exomes 0.00003; ExAC 0.00009; 1000 Genomes Project 30x 0.00016; 1000 Genomes Project 0.00020; gnomAD 0.00029; TOPMed 0.00037; ESP Exome Variant Server 0.00051.
gnomAD v4.1: 88 of 1,613,904 alleles (0.0055%); highest among the groups gnomAD compares: African/African-American, 0.11%; 1 homozygote.

Submission:

PreventionGenetics, part of Exact Sciences
Classification: Likely benign for TNRC6B-related condition. Last evaluated: 2019-08-09. Review status: no assertion criteria provided. Collection method: clinical testing. Allele origin: germline.
Comment: This variant is classified as likely benign based on ACMG/AMP sequence variant interpretation guidelines (Richards et al. 2015 PMID: 25741868, with internal and published modifications).